The following is an entry in ClinVar:

NM_004656.4(BAP1):c.628A>C (p.Ile210Leu)

Gene: BAP1 (BRCA1 associated deubiquitinase 1; minus strand). Cytogenetic location: 3p21.1.
Variant type: single nucleotide variant.
Coding change: c.628A>C on transcript NM_004656.4 (MANE Select); coding-DNA position 628, A replaced by C.
Protein change: p.Ile210Leu; replaces isoleucine 210 with leucine.
Molecular consequence: missense variant.
Genome position (GRCh38, 1-based): chr3:52,406,860, T>G on the plus strand (A>C on the coding strand, the complement: BAP1 is on the minus strand). VCF-style: chr3-52406860-T-G. GRCh37 (hg19) VCF-style: chr3-52440876-T-G.
Other names: c.628A>C, p.Ile210Leu (NM_001410772.1); short protein forms I210L.
Identifiers: ClinVar variation 2196603 (VCV002196603.5), dbSNP rs1705177017, ClinGen allele CA353108936.
Genomic context (GRCh38, chr3:52,406,860, plus strand): 5'-GTAGAACAGGGCAGGCACAGGGCCCTTACCCTGCAGTGGCGAGGCCGATACGCTCCATGA[T>G]GACCCGCCGGGCCTTGTCTGTCCACTCCTCGTCCTCCCCCCAGGGCCCTAGTGGAGACCA-3'
Protein context (NP_004647.1, residues 200-220): EEWTDKARRV[Ile210Leu]MERIGLATAG

ClinVar aggregate classification (germline): Uncertain significance. Review status: criteria provided, multiple submitters, no conflicts (2 of 4 stars). 2 submissions from 2 submitters: Uncertain significance (2). Last evaluated 2025-05-27.

Conditions:
BAP1-related tumor predisposition syndrome (TPDS1). Also called: COMMON Syndrome; TUMOR PREDISPOSITION SYNDROME 1; BAP1 tumor predisposition syndrome; Tumor susceptibility linked to germline BAP1 mutations. Identifiers: Orphanet 289539, MedGen C3280492, MONDO:0013692, OMIM 614327.
Hereditary cancer-predisposing syndrome. Also called: Hereditary neoplastic syndrome; Neoplastic Syndromes, Hereditary; Hereditary Cancer Syndrome; Tumor predisposition. Identifiers: Orphanet 140162, MedGen C0027672, MeSH D009386, MONDO:0015356.

Allele frequency attached by ClinVar (database versions not stated): gnomAD 0.00001.
gnomAD v4.1: 1 of 1,564,322 alleles (0.000064%); highest among the groups gnomAD compares: Non-Finnish European, 0.000087%; no homozygotes.

Submissions (2):

Labcorp Genetics (formerly Invitae), Labcorp
Classification: Uncertain significance for BAP1-related tumor predisposition syndrome. Last evaluated: 2025-05-27. Review status: criteria provided, single submitter. Criteria: Invitae Variant Classification Sherloc (09022015). Collection method: clinical testing. Allele origin: germline.
Comment: This sequence change replaces isoleucine, which is neutral and non-polar, with leucine, which is neutral and non-polar, at codon 210 of the BAP1 protein (p.Ile210Leu). This variant is not present in population databases (gnomAD no frequency). This variant has not been reported in the literature in individuals affected with BAP1-related conditions. ClinVar contains an entry for this variant (Variation ID: 2196603). Invitae Evidence Modeling of protein sequence and biophysical properties (such as structural, functional, and spatial information, amino acid conservation, physicochemical variation, residue mobility, and thermodynamic stability) indicates that this missense variant is expected to disrupt BAP1 protein function with a positive predictive value of 80%. In summary, the available evidence is currently insufficient to determine the role of this variant in disease. Therefore, it has been classified as a Variant of Uncertain Significance.

Ambry Genetics
Classification: Uncertain significance for Hereditary cancer-predisposing syndrome. Last evaluated: 2023-12-07. Review status: criteria provided, single submitter. Criteria: Ambry Variant Classification Scheme 2023. Collection method: clinical testing. Allele origin: germline.
Comment: The p.I210L variant (also known as c.628A>C), located in coding exon 8 of the BAP1 gene, results from an A to C substitution at nucleotide position 628. The isoleucine at codon 210 is replaced by leucine, an amino acid with highly similar properties. This amino acid position is conserved. In addition, the in silico prediction for this alteration is inconclusive. Since supporting evidence is limited at this time, the clinical significance of this alteration remains unclear.